The following is an entry in ClinVar:

ClinVar aggregate classification (germline): Likely benign (1 of 4 stars; one submission).

Submission:

CeGaT Center for Human Genetics Tuebingen
Classification: Likely benign. Last evaluated: 2023-12-01. Review status: criteria provided, single submitter. Criteria: CeGaT Center For Human Genetics Tuebingen Variant Classification Criteria Version 2. Collection method: clinical testing. Allele origin: germline. Affected: yes. Observed: 1 variant allele.
Comment: SPTBN4: PM2:Supporting, BP4, BP7

NM_020971.3(SPTBN4):c.5361G>A (p.Val1787=)

Gene: SPTBN4 (spectrin beta, non-erythrocytic 4; plus strand). Cytogenetic location: 19q13.2.
Variant type: single nucleotide variant.
Coding change: c.5361G>A on transcript NM_020971.3 (MANE Select); coding-DNA position 5361, G replaced by A.
Protein change: p.Val1787=; no amino-acid change (valine 1787 retained).
Molecular consequence: synonymous variant.
Genome position (GRCh38, 1-based): chr19:40,557,094, G>A. VCF-style: chr19-40557094-G-A. GRCh37 (hg19) VCF-style: chr19-41063000-G-A.
Other names: c.1389G>A, p.Val463= (NM_025213.3).
Identifiers: ClinVar variation 3026710 (VCV003026710.22), dbSNP rs2515187514, ClinGen allele CA507682992.
Genomic context (GRCh38, chr19:40,557,094, plus strand): 5'-GAAATTCTCAGAGTTTGCCAGCGAGACAGGTATGGCAGGGCGGGAACGGCTGGCAGCTGT[G>A]AACCAGATGGTGGATGAGCTGATCGAGTGTGGCCATACAGCAGCGGCCACCATGGCCGAG-3'
Protein context (NP_066022.2, residues 1777-1797): GMAGRERLAA[Val1787=]NQMVDELIEC